The following is an entry in ClinVar:

NM_014874.3(MFN2):c.-249T>A

Gene: MFN2 (mitofusin 2; plus strand). Cytogenetic location: 1p36.22.
Variant type: single nucleotide variant.
Coding change: c.-249T>A on transcript NM_014874.3; 249 bases upstream of the start codon, T replaced by A.
Genome position (GRCh38, 1-based): chr1:11,980,385, T>A. VCF-style: chr1-11980385-T-A. GRCh37 (hg19) VCF-style: chr1-12040442-T-A.
Identifiers: ClinVar variation 292366 (VCV000292366.9), dbSNP rs2180182, ClinGen allele CA10607727.

ClinVar aggregate classification (germline): Benign/Likely benign. Review status: criteria provided, multiple submitters, no conflicts (2 of 4 stars). 2 submissions from 2 submitters: Benign (1); Likely benign (1). Last evaluated 2021-12-21.

Conditions:
Hereditary motor and sensory neuropathy with optic atrophy. Also called: PERIPHERAL NEUROPATHY AND OPTIC ATROPHY; CHARCOT-MARIE-TOOTH DISEASE, TYPE 6. Identifiers: Orphanet 90120, MedGen C0393807, MONDO:0019551.

Allele frequency attached by ClinVar (database versions not stated): gnomAD 0.01456 and 0.01549; TOPMed 0.01687; gnomAD exomes 0.00177; 1000 Genomes Project 0.01677; 1000 Genomes Project 30x 0.01780.

Submissions (2):

GeneDx
Classification: Likely benign. Last evaluated: 2021-12-21. Review status: criteria provided, single submitter. Criteria: GeneDx Variant Classification Process June 2021. Collection method: clinical testing. Allele origin: germline. Affected: yes.
Comment: See Variant Classification Assertion Criteria.

Illumina Laboratory Services, Illumina
Classification: Benign for Neuropathy, hereditary motor and sensory, type 6A. Last evaluated: 2018-01-13. Review status: criteria provided, single submitter. Criteria: ICSL Variant Classification Criteria 13 December 2019. Collection method: clinical testing. Allele origin: germline.
Comment: This variant was observed in the ICSL laboratory as part of a predisposition screen in an ostensibly healthy population. It had not been previously curated by ICSL or reported in the Human Gene Mutation Database (HGMD: prior to June 1st, 2018), and was therefore a candidate for classification through an automated scoring system. Utilizing variant allele frequency, disease prevalence and penetrance estimates, and inheritance mode, an automated score was calculated to assess if this variant is too frequent to cause the disease. Based on the score and internal cut-off values, a variant classified as benign is not then subjected to further curation. The score for this variant resulted in a classification of benign for this disease.